The following is an entry in ClinVar:

ClinVar aggregate classification (germline): Conflicting classifications of pathogenicity. Review status: criteria provided, conflicting classifications (1 of 4 stars). 2 submissions from 2 submitters: Likely pathogenic (1); Uncertain significance (1). Last evaluated 2025-10-03.

Conditions:
Hypercalcemia, infantile, 1 (HCINF1). Identifiers: Orphanet 300547, MedGen CN031131, MONDO:0020739, OMIM 143880.

Allele frequency attached by ClinVar (database versions not stated): gnomAD exomes 0.00001; ExAC 0.00002; gnomAD 0.00003; TOPMed 0.00003.
gnomAD v4.1: 16 of 1,614,004 alleles (0.00099%); highest among the groups gnomAD compares: Admixed American, 0.0083%; no homozygotes.

Submissions (2):

Rare Kidney Stone Consortium and the Mayo Clinic Hyperoxaluria Center, Mayo Clinic
Classification: Likely pathogenic for Hypercalcemia, infantile, 1. Last evaluated: 2025-10-03. Review status: criteria provided, single submitter. Criteria: ACMG Guidelines, 2015. Collection method: research. Allele origin: germline. Affected: yes. Observed: 1 variant allele.
Comment: ACMG:PM2, PM3, PM6, PP3, PP4

Labcorp Genetics (formerly Invitae), Labcorp
Classification: Uncertain significance. Last evaluated: 2022-07-05. Review status: criteria provided, single submitter. Criteria: Invitae Variant Classification Sherloc (09022015). Collection method: clinical testing. Allele origin: germline.
Comment: Advanced modeling of protein sequence and biophysical properties (such as structural, functional, and spatial information, amino acid conservation, physicochemical variation, residue mobility, and thermodynamic stability) performed at Invitae indicates that this missense variant is not expected to disrupt CYP24A1 protein function. This variant has not been reported in the literature in individuals affected with CYP24A1-related conditions. This variant is present in population databases (rs16999131, gnomAD 0.01%). This sequence change replaces threonine, which is neutral and polar, with methionine, which is neutral and non-polar, at codon 248 of the CYP24A1 protein (p.Thr248Met). In summary, the available evidence is currently insufficient to determine the role of this variant in disease. Therefore, it has been classified as a Variant of Uncertain Significance.

Literature cited by the submitters: PubMed 40794449 (cited by Rare Kidney Stone Consortium and the Mayo Clinic Hyperoxaluria Center, Mayo Clinic).

NM_000782.5(CYP24A1):c.743C>T (p.Thr248Met)

Gene: CYP24A1 (cytochrome P450 family 24 subfamily A member 1; minus strand). Cytogenetic location: 20q13.2.
Variant type: single nucleotide variant.
Coding change: c.743C>T on transcript NM_000782.5 (MANE Select); coding-DNA position 743, C replaced by T.
Protein change: p.Thr248Met; replaces threonine 248 with methionine.
Molecular consequence: missense variant.
Genome position (GRCh38, 1-based): chr20:54,164,553, G>A on the plus strand (C>T on the coding strand, the complement: CYP24A1 is on the minus strand). VCF-style: chr20-54164553-G-A. GRCh37 (hg19) VCF-style: chr20-52781092-G-A.
Other names: c.743C>T, p.Thr248Met (NM_001128915.2); short protein forms T248M.
Identifiers: ClinVar variation 1979274 (VCV001979274.5), dbSNP rs16999131, ClinGen allele CA9916013.